The following is an entry in ClinVar:

NM_000059.4(BRCA2):c.2608A>G (p.Ile870Val)

Gene: BRCA2 (BRCA2 DNA repair associated; plus strand). Cytogenetic location: 13q13.1.
Variant type: single nucleotide variant.
Coding change: c.2608A>G on transcript NM_000059.4 (MANE Select); coding-DNA position 2608, A replaced by G.
Protein change: p.Ile870Val; replaces isoleucine 870 with valine.
Molecular consequence: missense variant.
Genome position (GRCh38, 1-based): chr13:32,336,963, A>G. VCF-style: chr13-32336963-A-G. GRCh37 (hg19) VCF-style: chr13-32911100-A-G.
Other names: c.2608A>G, p.Ile870Val (NM_001406719.1, NM_001406720.1); short protein forms I870V.
Identifiers: ClinVar variation 1793751 (VCV001793751.10), dbSNP rs546036225, ClinGen allele CA6940616.

ClinVar aggregate classification (germline): Conflicting classifications of pathogenicity. Review status: criteria provided, conflicting classifications (1 of 4 stars). 3 submissions from 3 submitters: Uncertain significance (2); Likely benign (1). Last evaluated 2025-07-28.

Conditions:
Hereditary breast ovarian cancer syndrome. Also called: Hereditary breast and ovarian cancer; Hereditary breast and ovarian cancer syndrome; Breast and ovarian cancer; Hereditary breast and/or ovarian cancer syndrome; BRCA1- and BRCA2-Associated Hereditary Breast and Ovarian Cancer; Hereditary breast and ovarian cancer syndrome (HBOC). Identifiers: Orphanet 145, MedGen C0677776, MeSH D061325, MONDO:0003582. Disease mechanism: loss of function.
Hereditary cancer-predisposing syndrome. Also called: Tumor predisposition; Hereditary Cancer Syndrome; Neoplastic Syndromes, Hereditary; Hereditary neoplastic syndrome. Identifiers: Orphanet 140162, MedGen C0027672, MeSH D009386, MONDO:0015356.

Allele frequency attached by ClinVar (database versions not stated): gnomAD exomes below 0.00001; ExAC 0.00001; gnomAD 0.00001; 1000 Genomes Project 0.00020; 1000 Genomes Project 30x 0.00031.
gnomAD v4.1: 5 of 1,584,760 alleles (0.00032%); highest among the groups gnomAD compares: East Asian, 0.0022%; no homozygotes.

Submissions (3):

Ambry Genetics
Classification: Uncertain significance for Hereditary cancer-predisposing syndrome. Last evaluated: 2025-07-28. Review status: criteria provided, single submitter. Criteria: Ambry Variant Classification Scheme 2023. Collection method: clinical testing. Allele origin: germline.
Comment: The p.I870V variant (also known as c.2608A>G), located in coding exon 10 of the BRCA2 gene, results from an A to G substitution at nucleotide position 2608. The isoleucine at codon 870 is replaced by valine, an amino acid with highly similar properties. This variant was reported in 1/195 individuals diagnosed with breast cancer (Subaolu A et al. Eur J Breast Health, 2023 Jan;19:55-69). This amino acid position is not well conserved in available vertebrate species. In addition, this alteration is predicted to be tolerated by in silico analysis. Based on the available evidence, the clinical significance of this variant remains unclear.

Labcorp Genetics (formerly Invitae), Labcorp
Classification: Uncertain significance for Hereditary breast ovarian cancer syndrome. Last evaluated: 2025-03-27. Review status: criteria provided, single submitter. Criteria: Invitae Variant Classification Sherloc (09022015). Collection method: clinical testing. Allele origin: germline.
Comment: This sequence change replaces isoleucine, which is neutral and non-polar, with valine, which is neutral and non-polar, at codon 870 of the BRCA2 protein (p.Ile870Val). This variant is present in population databases (rs546036225, gnomAD 0.006%). This variant has not been reported in the literature in individuals affected with BRCA2-related conditions. ClinVar contains an entry for this variant (Variation ID: 1793751). Invitae Evidence Modeling of protein sequence and biophysical properties (such as structural, functional, and spatial information, amino acid conservation, physicochemical variation, residue mobility, and thermodynamic stability) indicates that this missense variant is not expected to disrupt BRCA2 protein function with a negative predictive value of 95%. In summary, the available evidence is currently insufficient to determine the role of this variant in disease. Therefore, it has been classified as a Variant of Uncertain Significance.

University of Washington Department of Laboratory Medicine, University of Washington
Classification: Likely benign for Hereditary cancer-predisposing syndrome. Last evaluated: 2023-03-23. Review status: criteria provided, single submitter. Criteria: Dines et al. (Genet Med. 2020). Collection method: curation. Allele origin: germline.
Comment: Missense variant in a coldspot region where missense variants are very unlikely to be pathogenic (PMID:31911673).

BRCA2 exon 11 coldspot. Reclassification based on statistical prior probability.

Literature cited by the submitters: PubMed 33471991 (cited by Ambry Genetics); PubMed 36605468 (cited by Ambry Genetics).